The following is an entry in ClinVar:

ClinVar aggregate classification (germline): Pathogenic. Review status: criteria provided, multiple submitters, no conflicts (2 of 4 stars). 3 submissions from 3 submitters: Pathogenic (3). Last evaluated 2025-07-31.

Conditions:
Werner syndrome (WRN). Identifiers: Orphanet 902, MedGen C0043119, MONDO:0010196, OMIM 277700.

Submissions (3):

Labcorp Genetics (formerly Invitae), Labcorp
Classification: Pathogenic for Werner syndrome. Last evaluated: 2025-07-31. Review status: criteria provided, single submitter. Criteria: Invitae Variant Classification Sherloc (09022015). Collection method: clinical testing. Allele origin: germline.
Comment: This sequence change creates a premature translational stop signal (p.Lys168Alafs*10) in the WRN gene. It is expected to result in an absent or disrupted protein product. Loss-of-function variants in WRN are known to be pathogenic (PMID: 16673358). This variant is present in population databases (rs776785728, gnomAD 0.09%). This premature translational stop signal has been observed in individual(s) with Werner syndrome (PMID: 9225981, 18810497). This variant is also known as c.733_734delAA. ClinVar contains an entry for this variant (Variation ID: 403979). For these reasons, this variant has been classified as Pathogenic.

Baylor Genetics
Classification: Pathogenic for Werner syndrome. Last evaluated: 2024-03-13. Review status: criteria provided, single submitter. Criteria: ACMG Guidelines, 2015. Collection method: clinical testing. Allele origin: unknown.

Juno Genomics, Hangzhou Juno Genomics, Inc
Classification: Pathogenic for Werner syndrome. Review status: criteria provided, single submitter. Criteria: ACMG Guidelines, 2015. Collection method: clinical testing. Allele origin: germline.
Comment: Absent from controls (or at extremely low frequency if recessive) in Genome Aggregation Database.;Null variant in a gene where loss of function (LOF) is a known mechanism of disease.;For recessive disorders, detected in trans with a pathogenic variant.

Literature cited by the submitters: PubMed 16673358 (cited by Labcorp Genetics (formerly Invitae), Labcorp); PubMed 9225981 (cited by Labcorp Genetics (formerly Invitae), Labcorp); PubMed 18810497 (cited by Labcorp Genetics (formerly Invitae), Labcorp).

NM_000553.6(WRN):c.502_503del (p.Lys168fs)

Gene: WRN (WRN RecQ like helicase; plus strand). Cytogenetic location: 8p12.
Variant type: Deletion.
Coding change: c.502_503del on transcript NM_000553.6 (MANE Select); coding-DNA positions 502 to 503, 2 bases deleted (AA; older notation c.502_503delAA).
Protein change: p.Lys168fs; shifts the reading frame from lysine 168.
Molecular consequence: frameshift variant.
Genome position (GRCh38, 1-based): chr8:31,065,061-31,065,062, AA deleted; deleting any 2 consecutive bases within chr8:31,065,058-31,065,062 gives the same sequence; the c. name uses the placement nearest the transcript's 3' end. VCF-style (leftmost placement, unchanged base first): chr8-31065057-TAA-T. GRCh37 (hg19) VCF-style: chr8-30922573-TAA-T.
Other names: c.502_503del (NM_000553.4); short protein forms K168fs.
Identifiers: ClinVar variation 403979 (VCV000403979.14), dbSNP rs776785728, ClinGen allele CA4704079.